The following is an entry in ClinVar:

ClinVar aggregate classification (germline): Uncertain significance. Review status: criteria provided, multiple submitters, no conflicts (2 of 4 stars). 2 submissions from 2 submitters: Uncertain significance (2). Last evaluated 2025-03-19.

Conditions:
Hereditary cancer-predisposing syndrome. Also called: Tumor predisposition; Hereditary neoplastic syndrome; Neoplastic Syndromes, Hereditary; Hereditary Cancer Syndrome. Identifiers: Orphanet 140162, MedGen C0027672, MeSH D009386, MONDO:0015356.
Familial adenomatous polyposis 1 (FAP1). Also called: FAMILIAL ADENOMATOUS POLYPOSIS 1, ATTENUATED; POLYPOSIS, ADENOMATOUS INTESTINAL. Identifiers: MedGen C2713442, MONDO:0021056, OMIM 175100. Disease mechanism: loss of function.

Allele frequency attached by ClinVar (database versions not stated): gnomAD exomes below 0.00001.
gnomAD v4.1: 1 of 1,613,888 alleles (0.000062%); highest among the groups gnomAD compares: South Asian, 0.0011%; no homozygotes.

Submissions (2):

Ambry Genetics
Classification: Uncertain significance for Hereditary cancer-predisposing syndrome. Last evaluated: 2025-03-19. Review status: criteria provided, single submitter. Criteria: Ambry Variant Classification Scheme 2023. Collection method: clinical testing. Allele origin: germline.
Comment: The p.N22S variant (also known as c.65A>G), located in coding exon 1 of the APC gene, results from an A to G substitution at nucleotide position 65. The asparagine at codon 22 is replaced by serine, an amino acid with highly similar properties. This amino acid position is highly conserved in available vertebrate species. In addition, in silico predictors for this gene do not accurately predict pathogenicity. Based on the available evidence, the clinical significance of this variant remains unclear.

Labcorp Genetics (formerly Invitae), Labcorp
Classification: Uncertain significance for Familial adenomatous polyposis 1. Last evaluated: 2022-04-08. Review status: criteria provided, single submitter. Criteria: Invitae Variant Classification Sherloc (09022015). Collection method: clinical testing. Allele origin: germline.
Comment: In summary, the available evidence is currently insufficient to determine the role of this variant in disease. Therefore, it has been classified as a Variant of Uncertain Significance. Algorithms developed to predict the effect of missense changes on protein structure and function (SIFT, PolyPhen-2, Align-GVGD) all suggest that this variant is likely to be tolerated. This variant has not been reported in the literature in individuals affected with APC-related conditions. This variant is not present in population databases (gnomAD no frequency). This sequence change replaces asparagine, which is neutral and polar, with serine, which is neutral and polar, at codon 22 of the APC protein (p.Asn22Ser).

NM_000038.6(APC):c.65A>G (p.Asn22Ser)

Gene: APC (APC regulator of Wnt signaling pathway; plus strand). Cytogenetic location: 5q22.2.
Variant type: single nucleotide variant.
Coding change: c.65A>G on transcript NM_000038.6 (MANE Select); coding-DNA position 65, A replaced by G.
Protein change: p.Asn22Ser; replaces asparagine 22 with serine.
Molecular consequence: missense variant. On other transcripts: 5 prime UTR variant (1), intron variant (8).
Genome position (GRCh38, 1-based): chr5:112,754,955, A>G. VCF-style: chr5-112754955-A-G. GRCh37 (hg19) VCF-style: chr5-112090652-A-G.
Other names: c.65A>G (NM_000038.5); c.65A>G, p.Asn22Ser (NM_001127510.3, NM_001354895.2, NM_001354896.2 and 16 more transcripts); c.-971A>G (NM_001354906.2, NM_001407470.1, NM_001407471.1 and 1 more transcripts); c.166-11371A>G (NM_001354897.2, NM_001354902.2, NM_001127511.3); c.61-11371A>G (NM_001354898.2, NM_001354904.2); c.-42-11371A>G (NM_001354900.2, NM_001354901.2, NM_001354905.2); short protein forms N22S.
Identifiers: ClinVar variation 2178751 (VCV002178751.5), dbSNP rs2532136686, ClinGen allele CA16021483.
Genomic context (GRCh38, chr5:112,754,955, plus strand): 5'-CTGCAGCTTCATATGATCAGTTGTTAAAGCAAGTTGAGGCACTGAAGATGGAGAACTCAA[A>G]TCTTCGACAAGAGCTAGAAGATAATTCCAATCATCTTACAAAACTGGAAACTGAGGCATC-3'
Protein context (NP_000029.2, residues 12-32): QVEALKMENS[Asn22Ser]LRQELEDNSN